The following is an entry in ClinVar:

NM_001122630.2(CDKN1C):c.407C>A (p.Thr136Asn)

Gene: CDKN1C (cyclin dependent kinase inhibitor 1C; minus strand). Cytogenetic location: 11p15.4.
Variant type: single nucleotide variant.
Coding change: c.407C>A on transcript NM_001122630.2 (MANE Select); coding-DNA position 407, C replaced by A.
Protein change: p.Thr136Asn; replaces threonine 136 with asparagine.
Molecular consequence: missense variant. On other transcripts: intron variant (1).
Genome position (GRCh38, 1-based): chr11:2,885,050, G>T on the plus strand (C>A on the coding strand, the complement: CDKN1C is on the minus strand). VCF-style: chr11-2885050-G-T. GRCh37 (hg19) VCF-style: chr11-2906280-G-T.
Other names: c.440C>A, p.Thr147Asn (NM_000076.2, NM_001362474.2); c.407C>A, p.Thr136Asn (NM_001122631.2); c.255+152C>A (NM_001362475.2); short protein forms T136N, T147N.
Identifiers: ClinVar variation 956303 (VCV000956303.7), dbSNP rs1848955065, ClinGen allele CA379146691.

ClinVar aggregate classification (germline): Uncertain significance. Review status: criteria provided, multiple submitters, no conflicts (2 of 4 stars). 2 submissions from 2 submitters: Uncertain significance (2). Last evaluated 2023-10-20.

Conditions:
Beckwith-Wiedemann syndrome (BWS). Also called: EMG SYNDROME; Exomphalos macroglossia gigantism syndrome. Identifiers: Orphanet 116, MedGen C0004903, MONDO:0007534, OMIM 130650.

Submissions (2):

Baylor Genetics
Classification: Uncertain significance for Beckwith-Wiedemann syndrome. Last evaluated: 2023-10-20. Review status: criteria provided, single submitter. Criteria: ACMG Guidelines, 2015. Collection method: clinical testing. Allele origin: unknown.

Labcorp Genetics (formerly Invitae), Labcorp
Classification: Uncertain significance for Beckwith-Wiedemann syndrome. Last evaluated: 2021-09-23. Review status: criteria provided, single submitter. Criteria: Invitae Variant Classification Sherloc (09022015). Collection method: clinical testing. Allele origin: germline.
Comment: In summary, the available evidence is currently insufficient to determine the role of this variant in disease. Therefore, it has been classified as a Variant of Uncertain Significance. This variant has not been reported in the literature in individuals affected with CDKN1C-related conditions. The frequency data for this variant in the population databases is considered unreliable, as metrics indicate insufficient coverage at this position in the ExAC database. This sequence change replaces threonine with asparagine at codon 147 of the CDKN1C protein (p.Thr147Asn). The threonine residue is weakly conserved and there is a small physicochemical difference between threonine and asparagine.